The following is an entry in ClinVar:

ClinVar aggregate classification (germline): Uncertain significance (1 of 4 stars; one submission).

gnomAD v4.1: 4 of 1,613,650 alleles (0.00025%); highest among the groups gnomAD compares: African/African-American, 0.004%; no homozygotes.

Submission:

Labcorp Genetics (formerly Invitae), Labcorp
Classification: Uncertain significance. Last evaluated: 2022-07-19. Review status: criteria provided, single submitter. Criteria: Invitae Variant Classification Sherloc (09022015). Collection method: clinical testing. Allele origin: germline.
Comment: This sequence change replaces proline, which is neutral and non-polar, with histidine, which is basic and polar, at codon 2078 of the USH2A protein (p.Pro2078His). This variant is not present in population databases (gnomAD no frequency). This variant has not been reported in the literature in individuals affected with USH2A-related conditions. ClinVar contains an entry for this variant (Variation ID: 1445596). Algorithms developed to predict the effect of missense changes on protein structure and function are either unavailable or do not agree on the potential impact of this missense change (SIFT: "Deleterious"; PolyPhen-2: "Probably Damaging"; Align-GVGD: "Class C0"). In summary, the available evidence is currently insufficient to determine the role of this variant in disease. Therefore, it has been classified as a Variant of Uncertain Significance.

NM_206933.4(USH2A):c.6233C>A (p.Pro2078His)

Gene: USH2A (usherin; minus strand). Cytogenetic location: 1q41.
Variant type: single nucleotide variant.
Coding change: c.6233C>A on transcript NM_206933.4 (MANE Select); coding-DNA position 6233, C replaced by A.
Protein change: p.Pro2078His; replaces proline 2078 with histidine.
Molecular consequence: missense variant.
Genome position (GRCh38, 1-based): chr1:216,046,523, G>T on the plus strand (C>A on the coding strand, the complement: USH2A is on the minus strand). VCF-style: chr1-216046523-G-T. GRCh37 (hg19) VCF-style: chr1-216219865-G-T.
Other names: short protein forms P2078H.
Identifiers: ClinVar variation 1445596 (VCV001445596.3), dbSNP rs150230450, ClinGen allele CA344858950.